The following is an entry in ClinVar:

ClinVar aggregate classification (germline): Uncertain significance (1 of 4 stars; one submission).

Conditions:
Hereditary cancer-predisposing syndrome. Also called: Tumor predisposition; Neoplastic Syndromes, Hereditary; Hereditary neoplastic syndrome; Hereditary Cancer Syndrome. Identifiers: Orphanet 140162, MedGen C0027672, MeSH D009386, MONDO:0015356.

Submission:

Ambry Genetics
Classification: Uncertain significance for Hereditary cancer-predisposing syndrome. Last evaluated: 2024-11-19. Review status: criteria provided, single submitter. Criteria: Ambry Variant Classification Scheme 2023. Collection method: clinical testing. Allele origin: germline.
Comment: The c.-1_1dupGA variant results from a duplication of 2 nucleotides at positions c.-1 to c.1 and involves the initiation codon of the SDHD gene. This duplication does not change the methionine residue at the initiation codon (ATG) of coding exon 1. The duplicated nucleotide region is well conserved in available vertebrate species. Based on the available evidence, the clinical significance of this variant remains unclear.

NM_003002.4(SDHD):c.-3GA[3] (p.Met1fs)

Genes: SDHD (succinate dehydrogenase complex subunit D; plus strand), LOC126861339 (BRD4-independent group 4 enhancer GRCh37_chr11:111957035-111958234; plus strand). Cytogenetic location: 11q23.1.
Variant type: Microsatellite.
Coding change: c.-3GA[3] on transcript NM_003002.4 (MANE Select); three copies in a row of the 2-base unit GA starting at c.-3; the reference has two copies in a row; one copy, 2 bases duplicated.
Protein change: p.Met1fs; shifts the reading frame from methionine 1.
Molecular consequence: frameshift variant, initiator codon variant. On other transcripts: non-coding transcript variant (1).
Genome position (GRCh38, 1-based): chr11:112,086,907-112,086,908, GA duplicated; duplicating any 2 consecutive bases within chr11:112,086,905-112,086,908 gives the same sequence; the position shown is the placement nearest the transcript's 3' end. VCF-style (leftmost placement, unchanged base first): chr11-112086904-C-CGA. GRCh37 (hg19) VCF-style: chr11-111957628-C-CGA.
Other names: c.-3GA[3], p.Met1fs (NM_001276503.2, NM_001276504.2, NM_001276506.2); short protein forms M1fs.
Identifiers: ClinVar variation 3438809 (VCV003438809.1).